The following is an entry in ClinVar:

NM_000179.3(MSH6):c.2598A>G (p.Lys866=)

Gene: MSH6 (mutS homolog 6; plus strand). Cytogenetic location: 2p16.3.
Variant type: single nucleotide variant.
Coding change: c.2598A>G on transcript NM_000179.3 (MANE Select); coding-DNA position 2598, A replaced by G.
Protein change: p.Lys866=; no amino-acid change (lysine 866 retained).
Molecular consequence: synonymous variant. On other transcripts: non-coding transcript variant (5), intron variant (3).
Genome position (GRCh38, 1-based): chr2:47,800,581, A>G. VCF-style: chr2-47800581-A-G. GRCh37 (hg19) VCF-style: chr2-48027720-A-G.
Other names: c.2208A>G, p.Lys736= (NM_001281492.2); c.1692A>G, p.Lys564= (NM_001281493.2, NM_001281494.2, NM_001406811.1 and 6 more transcripts); c.2694A>G, p.Lys898= (NM_001406795.1, NM_001406802.1); c.2598A>G, p.Lys866= (NM_001406796.1, NM_001406798.1, NM_001406800.1 and 2 more transcripts); c.2301A>G, p.Lys767= (NM_001406797.1, NM_001406801.1, NM_001406805.1 and 10 more transcripts); c.2073A>G, p.Lys691= (NM_001406799.1, NM_001406806.1, NM_001406807.1); c.2520A>G, p.Lys840= (NM_001406804.1); c.2604A>G, p.Lys868= (NM_001406813.1); and 4 more.
Identifiers: ClinVar variation 3903737 (VCV003903737.1).

ClinVar aggregate classification (germline): Benign (1 of 4 stars; one submission).

Conditions:
Lynch syndrome 5 (LYNCH5). Also called: Colorectal cancer, hereditary nonpolyposis, type 5; Hereditary non-polyposis colorectal cancer, type 5. Identifiers: Orphanet 144, MedGen C1833477, MONDO:0013710, OMIM 614350. Disease mechanism: loss of function.

Submission:

Myriad Genetics, Inc.
Classification: Benign for Lynch syndrome 5. Last evaluated: 2024-12-31. Review status: criteria provided, single submitter. Criteria: Myriad Autosomal Dominant, Autosomal Recessive and X-Linked Classification Criteria (2023). Collection method: clinical testing. Allele origin: unknown.
Comment: This variant is considered benign. This variant is a silent/synonymous amino acid change and it is not expected to impact splicing.